The following is an entry in ClinVar:

ClinVar aggregate classification (germline): Uncertain significance. Review status: criteria provided, multiple submitters, no conflicts (2 of 4 stars). 3 submissions from 3 submitters: Uncertain significance (3). Last evaluated 2025-01-06.

Conditions:
Stüve-Wiedemann syndrome 1. Also called: STUVE-WIEDEMANN/SCHWARTZ-JAMPEL TYPE 2 SYNDROME. Identifiers: Orphanet 3206, MedGen C5676888, MONDO:0800043, OMIM 601559.
Inborn genetic diseases. Identifiers: MedGen C0950123, MeSH D030342.

Allele frequency attached by ClinVar (database versions not stated): ExAC 0.00001; gnomAD exomes 0.00001 and 0.00002; gnomAD 0.00009 and 0.00011; TOPMed 0.00024.
gnomAD v4.1: 33 of 1,612,740 alleles (0.002%); highest among the groups gnomAD compares: Admixed American, 0.037%; no homozygotes.

Submissions (3):

Labcorp Genetics (formerly Invitae), Labcorp
Classification: Uncertain significance. Last evaluated: 2025-01-06. Review status: criteria provided, single submitter. Criteria: Invitae Variant Classification Sherloc (09022015). Collection method: clinical testing. Allele origin: germline.
Comment: This sequence change replaces aspartic acid, which is acidic and polar, with glycine, which is neutral and non-polar, at codon 137 of the LIFR protein (p.Asp137Gly). The frequency data for this variant in the population databases is considered unreliable, as metrics indicate poor data quality at this position in the gnomAD database. This variant has not been reported in the literature in individuals affected with LIFR-related conditions. ClinVar contains an entry for this variant (Variation ID: 1356778). An algorithm developed to predict the effect of missense changes on protein structure and function (PolyPhen-2) suggests that this variant¬†is likely to be tolerated. In summary, the available evidence is currently insufficient to determine the role of this variant in disease. Therefore, it has been classified as a Variant of Uncertain Significance.

Fulgent Genetics
Classification: Uncertain significance for Stüve-Wiedemann syndrome 1. Last evaluated: 2024-04-20. Review status: criteria provided, single submitter. Criteria: ACMG Guidelines, 2015. Collection method: clinical testing. Allele origin: germline.

Ambry Genetics
Classification: Uncertain significance for Inborn genetic diseases. Last evaluated: 2023-10-24. Review status: criteria provided, single submitter. Criteria: Ambry Variant Classification Scheme 2023. Collection method: clinical testing. Allele origin: germline.

NM_001127671.2(LIFR):c.410A>G (p.Asp137Gly)

Gene: LIFR (LIF receptor subunit alpha; minus strand). Cytogenetic location: 5p13.1.
Variant type: single nucleotide variant.
Coding change: c.410A>G on transcript NM_001127671.2 (MANE Select); coding-DNA position 410, A replaced by G.
Protein change: p.Asp137Gly; replaces aspartic acid 137 with glycine.
Molecular consequence: missense variant.
Genome position (GRCh38, 1-based): chr5:38,523,570, T>C on the plus strand (A>G on the coding strand, the complement: LIFR is on the minus strand). VCF-style: chr5-38523570-T-C. GRCh37 (hg19) VCF-style: chr5-38523672-T-C.
Other names: c.410A>G, p.Asp137Gly (NM_001364297.2, NM_001364298.2, NM_002310.6); c.410A>G (NM_002310.5); short protein forms D137G.
Identifiers: ClinVar variation 1356778 (VCV001356778.6), dbSNP rs773284026, ClinGen allele CA3243216.
Genomic context (GRCh38, chr5:38,523,570, plus strand): 5'-CACTTTAGGTATAATGTAGAGGTTGAGAAATCAGCAGACAAATTCAAGATCTCTGGAGTA[T>C]CTGGAATTAAGGCTTTAAAAAGAGGAAACAAAAGAGAAAACTTAGTAAAATAAGTAATGA-3'
Protein context (NP_001121143.1, residues 127-147): LNEQNVSLIP[Asp137Gly]TPEILNLSAD